The following is an entry in ClinVar:

NM_181523.3(PIK3R1):c.1096G>A (p.Gly366Ser)

Gene: PIK3R1 (phosphoinositide-3-kinase regulatory subunit 1; plus strand). Cytogenetic location: 5q13.1.
Variant type: single nucleotide variant.
Coding change: c.1096G>A on transcript NM_181523.3 (MANE Select); coding-DNA position 1096, G replaced by A.
Protein change: p.Gly366Ser; replaces glycine 366 with serine.
Molecular consequence: missense variant.
Genome position (GRCh38, 1-based): chr5:68,293,177, G>A. VCF-style: chr5-68293177-G-A. GRCh37 (hg19) VCF-style: chr5-67589005-G-A.
Other names: c.7G>A, p.Gly3Ser (NM_001242466.2); c.286G>A, p.Gly96Ser (NM_181504.4); c.196G>A, p.Gly66Ser (NM_181524.2); short protein forms G366S, G3S, G66S, G96S.
Identifiers: ClinVar variation 3754973 (VCV003754973.2).
Genomic context (GRCh38, chr5:68,293,177, plus strand): 5'-AAACTTCGAGATACAGCAGACGGGACCTTTTTGGTACGAGATGCGTCTACTAAAATGCAT[G>A]GTGATTATACTCTTACACTAAGGTAAGCCAGGGAATATAGCTGAAATTAGGGTTTTGGGC-3'
Protein context (NP_852664.1, residues 356-376): LVRDASTKMH[Gly366Ser]DYTLTLRKGG

ClinVar aggregate classification (germline): Uncertain significance (1 of 4 stars; one submission).

Conditions:
Agammaglobulinemia 7, autosomal recessive (AGM7). Also called: AGAMMAGLOBULINEMIA, AUTOSOMAL RECESSIVE, DUE TO PIK3R1 DEFECT. Identifiers: MedGen C3554689, MONDO:0014083, OMIM 615214.
Immunodeficiency 36 with lymphoproliferation. Also called: Immunodeficiency 36; ACTIVATED PI3K-DELTA SYNDROME 2; Activated PI3K Delta Syndrome Type 2 (APDS2). Identifiers: Orphanet 397596, Orphanet 693681, MedGen C4014934, MONDO:0014453, OMIM 616005.
SHORT syndrome. Also called: SHORT STATURE, HYPEREXTENSIBILITY, HERNIA, OCULAR DEPRESSION, RIEGER ANOMALY, AND TEETHING DELAY; LIPODYSTROPHY, PARTIAL, WITH RIEGER ANOMALY AND SHORT STATURE; PIK3R1-Related SHORT Syndrome. Identifiers: Orphanet 3163, MedGen C0878684, MONDO:0010026, OMIM 269880.

Submission:

Labcorp Genetics (formerly Invitae), Labcorp
Classification: Uncertain significance for SHORT syndrome; Immunodeficiency 36 with lymphoproliferation; Agammaglobulinemia 7, autosomal recessive. Last evaluated: 2024-03-29. Review status: criteria provided, single submitter. Criteria: Invitae Variant Classification Sherloc (09022015). Collection method: clinical testing. Allele origin: germline.
Comment: This sequence change replaces glycine, which is neutral and non-polar, with serine, which is neutral and polar, at codon 366 of the PIK3R1 protein (p.Gly366Ser). This variant is not present in population databases (gnomAD no frequency). This variant has not been reported in the literature in individuals affected with PIK3R1-related conditions. Advanced modeling of protein sequence and biophysical properties (such as structural, functional, and spatial information, amino acid conservation, physicochemical variation, residue mobility, and thermodynamic stability) has been performed at Invitae for this missense variant, however the output from this modeling did not meet the statistical confidence thresholds required to predict the impact of this variant on PIK3R1 protein function. In summary, the available evidence is currently insufficient to determine the role of this variant in disease. Therefore, it has been classified as a Variant of Uncertain Significance.